The following is an entry in ClinVar:

NM_004706.4(ARHGEF1):c.361G>C (p.Glu121Gln)

Gene: ARHGEF1 (Rho guanine nucleotide exchange factor 1; plus strand). Cytogenetic location: 19q13.2.
Variant type: single nucleotide variant.
Coding change: c.361G>C on transcript NM_004706.4 (MANE Select); coding-DNA position 361, G replaced by C.
Protein change: p.Glu121Gln; replaces glutamic acid 121 with glutamine.
Molecular consequence: missense variant. On other transcripts: non-coding transcript variant (2).
Genome position (GRCh38, 1-based): chr19:41,892,367, G>C. VCF-style: chr19-41892367-G-C. GRCh37 (hg19) VCF-style: chr19-42396438-G-C.
Other names: c.361G>C, p.Glu121Gln (NM_001396000.1, NM_001396003.1, NM_001396006.1); c.262G>C, p.Glu88Gln (NM_001396002.1, NM_001396004.1, NM_198977.2); c.406G>C, p.Glu136Gln (NM_199002.2); short protein forms E121Q, E88Q, E136Q.
Identifiers: ClinVar variation 4769850 (VCV004769850.1).

ClinVar aggregate classification (germline): Uncertain significance (1 of 4 stars; one submission).

Submission:

Labcorp Genetics (formerly Invitae), Labcorp
Classification: Uncertain significance. Last evaluated: 2025-06-17. Review status: criteria provided, single submitter. Criteria: Invitae Variant Classification Sherloc (09022015). Collection method: clinical testing. Allele origin: germline.
Comment: This sequence change replaces glutamic acid, which is acidic and polar, with glutamine, which is neutral and polar, at codon 136 of the ARHGEF1 protein (p.Glu136Gln). This variant is present in population databases (rs782519783, gnomAD no frequency). This variant has not been reported in the literature in individuals affected with ARHGEF1-related conditions. An algorithm developed to predict the effect of missense changes on protein structure and function (PolyPhen-2) suggests that this variant is likely to be disruptive. In summary, the available evidence is currently insufficient to determine the role of this variant in disease. Therefore, it has been classified as a Variant of Uncertain Significance.